The following is an entry in ClinVar:

NM_006767.4(LZTR1):c.1775G>A (p.Ser592Asn)

Gene: LZTR1 (leucine zipper like post translational regulator 1; plus strand). Cytogenetic location: 22q11.21.
Variant type: single nucleotide variant.
Coding change: c.1775G>A on transcript NM_006767.4 (MANE Select); coding-DNA position 1775, G replaced by A.
Protein change: p.Ser592Asn; replaces serine 592 with asparagine.
Molecular consequence: missense variant.
Genome position (GRCh38, 1-based): chr22:20,994,717, G>A. VCF-style: chr22-20994717-G-A. GRCh37 (hg19) VCF-style: chr22-21349006-G-A.
Other names: short protein forms S592N.
Identifiers: ClinVar variation 4799171 (VCV004799171.1).

ClinVar aggregate classification (germline): Uncertain significance (1 of 4 stars; one submission).

Submission:

Labcorp Genetics (formerly Invitae), Labcorp
Classification: Uncertain significance. Last evaluated: 2025-08-14. Review status: criteria provided, single submitter. Criteria: Invitae Variant Classification Sherloc (09022015). Collection method: clinical testing. Allele origin: germline.
Comment: This sequence change replaces serine, which is neutral and polar, with asparagine, which is neutral and polar, at codon 592 of the LZTR1 protein (p.Ser592Asn). This variant is not present in population databases (gnomAD no frequency). This variant has not been reported in the literature in individuals affected with LZTR1-related conditions. Invitae Evidence Modeling of protein sequence and biophysical properties (such as structural, functional, and spatial information, amino acid conservation, physicochemical variation, residue mobility, and thermodynamic stability) indicates that this missense variant is not expected to disrupt LZTR1 protein function with a negative predictive value of 80%. In summary, the available evidence is currently insufficient to determine the role of this variant in disease. Therefore, it has been classified as a Variant of Uncertain Significance.